The following is an entry in ClinVar:

ClinVar aggregate classification (germline): Likely benign. Review status: criteria provided, single submitter (1 of 4 stars). 2 submissions from 2 submitters: Likely benign (1). 1 of the submissions does not count toward it. Last evaluated 2023-04-21.

Conditions:
COL11A1-related disorder. Also called: COL11A1-related condition; COL11A1-related disorders.

Allele frequency attached by ClinVar (database versions not stated): gnomAD exomes below 0.00001; TOPMed 0.00002; gnomAD 0.00003.
gnomAD v4.1: 12 of 1,612,362 alleles (0.00074%); highest among the groups gnomAD compares: South Asian, 0.0066%; no homozygotes.

Submissions (2):

Labcorp Genetics (formerly Invitae), Labcorp
Classification: Likely benign. Last evaluated: 2023-04-21. Review status: criteria provided, single submitter. Criteria: Invitae Variant Classification Sherloc (09022015). Collection method: clinical testing. Allele origin: germline.

PreventionGenetics, part of Exact Sciences
Classification: Likely benign for COL11A1-related condition. Last evaluated: 2023-08-17. Review status: no assertion criteria provided. Collection method: clinical testing. Allele origin: germline. Not counted in ClinVar's aggregate classification.
Comment: This variant is classified as likely benign based on ACMG/AMP sequence variant interpretation guidelines (Richards et al. 2015 PMID: 25741868, with internal and published modifications).

NM_001854.4(COL11A1):c.1999-9T>C

Gene: COL11A1 (collagen type XI alpha 1 chain; minus strand). Cytogenetic location: 1p21.1.
Variant type: single nucleotide variant.
Coding change: c.1999-9T>C on transcript NM_001854.4 (MANE Select); 9 bases into the intron before coding-DNA position 1999, T replaced by C.
Molecular consequence: intron variant.
Genome position (GRCh38, 1-based): chr1:103,002,800, A>G on the plus strand (T>C on the coding strand, the complement: COL11A1 is on the minus strand). VCF-style: chr1-103002800-A-G. GRCh37 (hg19) VCF-style: chr1-103468356-A-G.
Other names: c.1999-9T>C (NM_001854.3); c.1882-9T>C (NM_001190709.2); c.2035-9T>C (NM_080629.3); c.1651-9T>C (NM_080630.4).
Identifiers: ClinVar variation 2179335 (VCV002179335.6), dbSNP rs1226084874, ClinGen allele CA524902594.
Genomic context (GRCh38, chr1:103,002,800, plus strand): 5'-TACATACCATGTTCCCTTTTGGTCCTGGGGGGCCATCTACACCTGCCATACCCTGCAATG[A>G]AGAAAAAGTATTTATGGTTGTTTATATGTTTTGATGCTAAAACAGAAAATCAAAAAGACT-3'